The following is an entry in ClinVar:

ClinVar aggregate classification (germline): Benign/Likely benign. Review status: criteria provided, multiple submitters, no conflicts (2 of 4 stars). 4 submissions from 4 submitters: Benign (1); Likely benign (3). Last evaluated 2026-06-01.

Conditions:
CHAMP1-related disorder. Also called: CHAMP1-related condition.

Allele frequency attached by ClinVar (database versions not stated): gnomAD 0.00015 and 0.00018; 1000 Genomes Project 30x 0.00016; 1000 Genomes Project 0.00020; TOPMed 0.00024; gnomAD exomes 0.00030 and 0.00040; ESP Exome Variant Server 0.00031; ExAC 0.00046.
gnomAD v4.1: 484 of 1,614,062 alleles (0.03%); highest among the groups gnomAD compares: Middle Eastern, 0.23%; 1 homozygote.

Submissions (4):

CeGaT Center for Human Genetics Tuebingen
Classification: Likely benign. Last evaluated: 2026-06-01. Review status: criteria provided, single submitter. Criteria: CeGaT Center For Human Genetics Tuebingen Variant Classification Criteria Version 2. Collection method: clinical testing. Allele origin: germline. Affected: yes. Observed: 8 variant alleles.
Comment: CHAMP1: BP4, BP7

PreventionGenetics, part of Exact Sciences
Classification: Likely benign for CHAMP1-related condition. Last evaluated: 2025-09-26. Review status: criteria provided, single submitter. Criteria: ACMG Guidelines, 2015. Collection method: clinical testing. Allele origin: germline.
Comment: This variant is classified as likely benign based on ACMG/AMP sequence variant interpretation guidelines (Richards et al. 2015 PMID: 25741868, with internal and published modifications).

Labcorp Genetics (formerly Invitae), Labcorp
Classification: Benign. Last evaluated: 2019-12-31. Review status: criteria provided, single submitter. Criteria: Invitae Variant Classification Sherloc (09022015). Collection method: clinical testing. Allele origin: germline.

Breakthrough Genomics
Classification: Likely benign. Review status: criteria provided, single submitter. Criteria: ACMG Guidelines, 2015. Collection method: not provided. Allele origin: germline. Inheritance: Autosomal dominant inheritance. Affected: yes.

NM_032436.4(CHAMP1):c.1521C>A (p.Ser507=)

Gene: CHAMP1 (chromosome alignment maintaining phosphoprotein 1; plus strand). Cytogenetic location: 13q34.
Variant type: single nucleotide variant.
Coding change: c.1521C>A on transcript NM_032436.4 (MANE Select); coding-DNA position 1521, C replaced by A.
Protein change: p.Ser507=; no amino-acid change (serine 507 retained).
Molecular consequence: synonymous variant.
Genome position (GRCh38, 1-based): chr13:114,325,363, C>A. VCF-style: chr13-114325363-C-A. GRCh37 (hg19) VCF-style: chr13-115090838-C-A.
Other names: c.1521C>A, p.Ser507= (NM_001164144.3, NM_001164145.3); c.1521C>A (NM_001164145.2).
Identifiers: ClinVar variation 742259 (VCV000742259.43), dbSNP rs150753986, ClinGen allele CA7070830.